The following is an entry in ClinVar:

NM_000032.5(ALAS2):c.1315A>G (p.Lys439Glu)

Gene: ALAS2 (5'-aminolevulinate synthase 2; minus strand). Cytogenetic location: Xp11.21.
Variant type: single nucleotide variant.
Coding change: c.1315A>G on transcript NM_000032.5 (MANE Select); coding-DNA position 1315, A replaced by G.
Protein change: p.Lys439Glu; replaces lysine 439 with glutamic acid.
Molecular consequence: missense variant.
Genome position (GRCh38, 1-based): chrX:55,014,869, T>C on the plus strand (A>G on the coding strand, the complement: ALAS2 is on the minus strand). VCF-style: chrX-55014869-T-C. GRCh37 (hg19) VCF-style: chrX-55041302-T-C.
Other names: c.1204A>G, p.Lys402Glu (NM_001037967.4); c.1276A>G, p.Lys426Glu (NM_001037968.4); short protein forms K402E, K426E, K439E.
Identifiers: ClinVar variation 1303876 (VCV001303876.2), dbSNP rs2146716517, ClinGen allele CA413292823.

ClinVar aggregate classification (germline): Uncertain significance (1 of 4 stars; one submission).

Submission:

GeneDx
Classification: Uncertain significance. Last evaluated: 2019-10-16. Review status: criteria provided, single submitter. Criteria: GeneDx Variant Classification Process June 2021. Collection method: clinical testing. Allele origin: germline. Affected: yes.
Comment: Not observed in large population cohorts (Lek et al., 2016); In silico analysis, which includes protein predictors and evolutionary conservation, supports that this variant does not alter protein structure/function; This variant is associated with the following publications: (PMID: 28667034)